The following is an entry in ClinVar:

NM_032520.5(GNPTG):c.233+4_233+14del

Gene: GNPTG (N-acetylglucosamine-1-phosphate transferase subunit gamma; plus strand). Cytogenetic location: 16p13.3.
Variant type: Deletion.
Coding change: c.233+4_233+14del on transcript NM_032520.5 (MANE Select); bases 4 to 14 of the intron after coding-DNA position 233, 11 bases deleted (AGTGCAGGGTG).
Molecular consequence: splice donor variant.
Genome position (GRCh38, 1-based): chr16:1,361,801-1,361,811, AGTGCAGGGTG deleted; deleting any 11 consecutive bases within chr16:1,361,798-1,361,811 gives the same sequence; the c. name uses the placement nearest the transcript's 3' end. VCF-style (leftmost placement, unchanged base first): chr16-1361797-CGTGAGTGCAGG-C. GRCh37 (hg19) VCF-style: chr16-1411798-CGTGAGTGCAGG-C.
Identifiers: ClinVar variation 848544 (VCV000848544.9), dbSNP rs2034885985, ClinGen allele CA916083467.

ClinVar aggregate classification (germline): Uncertain significance (1 of 4 stars; one submission).

Submission:

Labcorp Genetics (formerly Invitae), Labcorp
Classification: Uncertain significance. Last evaluated: 2020-02-18. Review status: criteria provided, single submitter. Criteria: Invitae Variant Classification Sherloc (09022015). Collection method: clinical testing. Allele origin: germline.
Comment: This sequence change falls in intron 4 of the GNPTG gene. It does not directly change the encoded amino acid sequence of the GNPTG protein, but it affects a nucleotide within the consensus splice site of the intron. This variant is not present in population databases (ExAC no frequency). This variant has been observed in individual(s) with clinical features of mucolipidosis (Invitae). It has also been observed to segregate with disease in related individuals. Nucleotide substitutions within the consensus splice site are a relatively common cause of aberrant splicing (PMID: 17576681, 9536098). Algorithms developed to predict the effect of sequence changes on RNA splicing suggest that this variant may disrupt the consensus splice site, but this prediction has not been confirmed by published transcriptional studies. In summary, the available evidence is currently insufficient to determine the role of this variant in disease. Therefore, it has been classified as a Variant of Uncertain Significance.

Literature cited by the submitters: PubMed 17576681; PubMed 9536098.